The following is an entry in ClinVar:

NM_004408.4(DNM1):c.2312G>C (p.Gly771Ala)

Genes: DNM1 (dynamin 1; plus strand), LOC130002698 (ATAC-STARR-seq lymphoblastoid silent region 20332; plus strand). Cytogenetic location: 9q34.11.
Variant type: single nucleotide variant.
Coding change: c.2312G>C on transcript NM_004408.4 (MANE Select); coding-DNA position 2312, G replaced by C.
Protein change: p.Gly771Ala; replaces glycine 771 with alanine.
Molecular consequence: missense variant.
Genome position (GRCh38, 1-based): chr9:128,250,350, G>C. VCF-style: chr9-128250350-G-C. GRCh37 (hg19) VCF-style: chr9-131012629-G-C.
Other names: c.2312G>C, p.Gly771Ala (NM_001005336.3, NM_001288737.2, NM_001288738.2 and 1 more transcripts); short protein forms G771A.
Identifiers: ClinVar variation 420895 (VCV000420895.2), dbSNP rs1064794773, ClinGen allele CA16618756.
Genomic context (GRCh38, chr9:128,250,350, plus strand): 5'-GCACGCCCATGCCCCCGCCCGTGGACGACTCCTGGCTGCAGGTGCAGAGCGTACCGGCCG[G>C]ACGCAGGTACCAGGGCCGGCCCCCACGGCCCCAAAGCCCCCCAGCCCGGGGCCCGCGGGA-3'
Protein context (NP_004399.2, residues 761-781): SWLQVQSVPA[Gly771Ala]RRSPTSSPTP

ClinVar aggregate classification (germline): Likely pathogenic (1 of 4 stars; one submission).

Submission:

GeneDx
Classification: Likely pathogenic. Last evaluated: 2016-04-04. Review status: criteria provided, single submitter. Criteria: GeneDx Variant Classification (06012015). Collection method: clinical testing. Allele origin: germline. Affected: yes.
Comment: The G771A variant in the DNM1 gene has not been reported previously as a pathogenic variant, nor as a benign variant, to our knowledge. The G771A variant was not observed in approximately 6,500 individuals of European and African American ancestry in the NHLBI Exome Sequencing Project, indicating it is not a common benign variant in these populations. The G771A variant is a conservative amino acid substitution, which occurs at a position that is conserved across species. In silico analysis is inconsistent in its predictions as to whether or not the variant is damaging to the protein structure/function. The G771A variant is a strong candidate for a pathogenic variant, however, the possibility it may be a rare benign variant cannot be excluded.